The following is an entry in ClinVar:

ClinVar aggregate classification (germline): Uncertain significance. Review status: criteria provided, multiple submitters, no conflicts (2 of 4 stars). 2 submissions from 2 submitters: Uncertain significance (2). Last evaluated 2025-07-01.

Conditions:
NEFH-related disorder. Also called: NEFH-related condition.

Allele frequency attached by ClinVar (database versions not stated): ExAC 0.00003; gnomAD 0.00003; gnomAD exomes 0.00004.
gnomAD v4.1: 64 of 1,609,628 alleles (0.004%); highest among the groups gnomAD compares: Non-Finnish European, 0.0051%; no homozygotes.

Submissions (2):

Labcorp Genetics (formerly Invitae), Labcorp
Classification: Uncertain significance. Last evaluated: 2025-07-01. Review status: criteria provided, single submitter. Criteria: Invitae Variant Classification Sherloc (09022015). Collection method: clinical testing. Allele origin: germline.
Comment: This sequence change replaces valine, which is neutral and non-polar, with leucine, which is neutral and non-polar, at codon 928 of the NEFH protein (p.Val928Leu). This variant is present in population databases (rs199532217, gnomAD 0.02%). This variant has not been reported in the literature in individuals affected with NEFH-related conditions. ClinVar contains an entry for this variant (Variation ID: 2068207). Invitae Evidence Modeling of protein sequence and biophysical properties (such as structural, functional, and spatial information, amino acid conservation, physicochemical variation, residue mobility, and thermodynamic stability) indicates that this missense variant is not expected to disrupt NEFH protein function with a negative predictive value of 95%. In summary, the available evidence is currently insufficient to determine the role of this variant in disease. Therefore, it has been classified as a Variant of Uncertain Significance.

PreventionGenetics, part of Exact Sciences
Classification: Uncertain significance for NEFH-related condition. Last evaluated: 2024-12-18. Review status: criteria provided, single submitter. Criteria: ACMG Guidelines, 2015. Collection method: clinical testing. Allele origin: germline.
Comment: The NEFH c.2782G>T variant is predicted to result in the amino acid substitution p.Val928Leu. To our knowledge, this variant has not been reported in the literature. This variant is reported in 0.016% of alleles in individuals of African descent in gnomAD. At this time, the clinical significance of this variant is uncertain due to the absence of conclusive functional and genetic evidence.

NM_021076.4(NEFH):c.2782G>T (p.Val928Leu)

Gene: NEFH (neurofilament heavy chain; plus strand). Cytogenetic location: 22q12.2.
Variant type: single nucleotide variant.
Coding change: c.2782G>T on transcript NM_021076.4 (MANE Select); coding-DNA position 2782, G replaced by T.
Protein change: p.Val928Leu; replaces valine 928 with leucine.
Molecular consequence: missense variant.
Genome position (GRCh38, 1-based): chr22:29,490,422, G>T. VCF-style: chr22-29490422-G-T. GRCh37 (hg19) VCF-style: chr22-29886411-G-T.
Other names: c.2782G>T (NM_021076.3); short protein forms V928L.
Identifiers: ClinVar variation 2068207 (VCV002068207.5), dbSNP rs199532217, ClinGen allele CA10174490.